The following is an entry in ClinVar:

ClinVar aggregate classification (germline): Uncertain significance (1 of 4 stars; one submission).

Conditions:
Deficiency of hyaluronoglucosaminidase (MPS9). Also called: MPS IX; Mucopolysaccharidosis type 9; HYALURONIDASE DEFICIENCY. Identifiers: Orphanet 67041, MedGen C1291490, MONDO:0011093, OMIM 601492.

Allele frequency attached by ClinVar (database versions not stated): ExAC 0.00003; gnomAD exomes 0.00003; TOPMed 0.00003; gnomAD 0.00005; 1000 Genomes Project 30x 0.00016; 1000 Genomes Project 0.00020.
gnomAD v4.1: 58 of 1,614,078 alleles (0.0036%); highest among the groups gnomAD compares: Admixed American, 0.005%; no homozygotes.

Submission:

Labcorp Genetics (formerly Invitae), Labcorp
Classification: Uncertain significance for Deficiency of hyaluronoglucosaminidase. Last evaluated: 2025-09-08. Review status: criteria provided, single submitter. Criteria: Invitae Variant Classification Sherloc (09022015). Collection method: clinical testing. Allele origin: germline.
Comment: This sequence change replaces valine, which is neutral and non-polar, with methionine, which is neutral and non-polar, at codon 51 of the HYAL1 protein (p.Val51Met). This variant is present in population databases (rs587663959, gnomAD 0.008%). This variant has not been reported in the literature in individuals affected with HYAL1-related conditions. ClinVar contains an entry for this variant (Variation ID: 2155282). An algorithm developed to predict the effect of missense changes on protein structure and function (PolyPhen-2) suggests that this variant is likely to be disruptive. In summary, the available evidence is currently insufficient to determine the role of this variant in disease. Therefore, it has been classified as a Variant of Uncertain Significance.

NM_033159.4(HYAL1):c.151G>A (p.Val51Met)

Gene: HYAL1 (hyaluronidase 1; minus strand). Cytogenetic location: 3p21.31.
Variant type: single nucleotide variant.
Coding change: c.151G>A on transcript NM_033159.4 (MANE Select); coding-DNA position 151, G replaced by A.
Protein change: p.Val51Met; replaces valine 51 with methionine.
Molecular consequence: missense variant. On other transcripts: non-coding transcript variant (1), intron variant (2).
Genome position (GRCh38, 1-based): chr3:50,302,806, C>T on the plus strand (G>A on the coding strand, the complement: HYAL1 is on the minus strand). VCF-style: chr3-50302806-C-T. GRCh37 (hg19) VCF-style: chr3-50340237-C-T.
Other names: c.151G>A, p.Val51Met (NM_007312.3, NM_153281.2, NM_153282.3); c.-26-601G>A (NM_153285.3); c.-213-183G>A (NM_153283.3); short protein forms V51M.
Identifiers: ClinVar variation 2155282 (VCV002155282.2), dbSNP rs587663959, ClinGen allele CA2416003.